The following is an entry in ClinVar:

ClinVar aggregate classification (germline): Uncertain significance (1 of 4 stars; one submission).

Conditions:
MACF1-related disorder. Also called: MACF1-related condition.

gnomAD v4.1: 10 of 1,612,388 alleles (0.00062%); highest among the groups gnomAD compares: African/African-American, 0.0013%; no homozygotes.

Submission:

PreventionGenetics, part of Exact Sciences
Classification: Uncertain significance for MACF1-related condition. Last evaluated: 2026-08-07. Review status: criteria provided, single submitter. Criteria: ACMG Guidelines, 2015. Collection method: clinical testing. Allele origin: germline.
Comment: The MACF1 c.11112G>C variant is predicted to result in the amino acid substitution p.Arg3704Ser. To our knowledge, this variant has not been reported in the literature or in a large population database (gnomAD), indicating this variant is rare. At this time, the clinical significance of this variant is uncertain due to the absence of conclusive functional and genetic evidence.

NM_001394062.1(MACF1):c.17298G>C (p.Arg5766Ser)

Gene: MACF1 (microtubule actin crosslinking factor 1; plus strand). Cytogenetic location: 1p34.3.
Variant type: single nucleotide variant.
Coding change: c.17298G>C on transcript NM_001394062.1 (MANE Select); coding-DNA position 17298, G replaced by C.
Protein change: p.Arg5766Ser; replaces arginine 5766 with serine.
Molecular consequence: missense variant.
Genome position (GRCh38, 1-based): chr1:39,430,869, G>C. VCF-style: chr1-39430869-G-C. GRCh37 (hg19) VCF-style: chr1-39896541-G-C.
Other names: c.5367G>C, p.Arg1789Ser (NM_001397473.1); c.11112G>C, p.Arg3704Ser (NM_012090.5); short protein forms R1789S, R3704S, R5766S.
Identifiers: ClinVar variation 4995144 (VCV004995144.1).
Genomic context (GRCh38, chr1:39,430,869, plus strand): 5'-TAAACTTGTGTCCGATGCTAACGAGCAGTACAAACTAGTCAGTGACACTATTGGACAAAG[G>C]GTGGATGAAATTGATGCTGCTATTCAGAGATCACAACAGGTAATGCTTATAATACCTCTG-3'
Protein context (NP_001380991.1, residues 5756-5776): YKLVSDTIGQ[Arg5766Ser]VDEIDAAIQR